The following is an entry in ClinVar:

NM_000091.5(COL4A3):c.133A>T (p.Lys45Ter)

Genes: COL4A3 (collagen type IV alpha 3 chain; plus strand), MFF-DT (MFF divergent transcript; minus strand). Cytogenetic location: 2q36.3.
Variant type: single nucleotide variant.
Coding change: c.133A>T on transcript NM_000091.5 (MANE Select); coding-DNA position 133, A replaced by T.
Protein change: p.Lys45Ter; replaces lysine 45 with a stop codon.
Molecular consequence: nonsense.
Genome position (GRCh38, 1-based): chr2:227,238,013, A>T. VCF-style: chr2-227238013-A-T. GRCh37 (hg19) VCF-style: chr2-228102729-A-T.
Other names: short protein forms K45*.
Identifiers: ClinVar variation 2765083 (VCV002765083.3), dbSNP rs2469448061, ClinGen allele CA350858353.

ClinVar aggregate classification (germline): Pathogenic (1 of 4 stars; one submission).

Submission:

Labcorp Genetics (formerly Invitae), Labcorp
Classification: Pathogenic. Last evaluated: 2023-10-04. Review status: criteria provided, single submitter. Criteria: Invitae Variant Classification Sherloc (09022015). Collection method: clinical testing. Allele origin: germline.
Comment: This sequence change creates a premature translational stop signal (p.Lys45*) in the COL4A3 gene. It is expected to result in an absent or disrupted protein product. Loss-of-function variants in COL4A3 are known to be pathogenic (PMID: 8956999, 24854265, 26809805, 27281700). This variant is not present in population databases (gnomAD no frequency). This variant has not been reported in the literature in individuals affected with COL4A3-related conditions. For these reasons, this variant has been classified as Pathogenic.

Literature cited by the submitters: PubMed 8956999; PubMed 24854265; PubMed 26809805; PubMed 27281700.